The following is an entry in ClinVar:

ClinVar aggregate classification (germline): Pathogenic/Likely pathogenic. Review status: criteria provided, multiple submitters, no conflicts (2 of 4 stars). 2 submissions from 2 submitters: Pathogenic (1); Likely pathogenic (1). Last evaluated 2023-09-05.

Conditions:
Familial adenomatous polyposis 1 (FAP1). Also called: POLYPOSIS, ADENOMATOUS INTESTINAL; FAMILIAL ADENOMATOUS POLYPOSIS 1, ATTENUATED. Identifiers: MedGen C2713442, MONDO:0021056, OMIM 175100. Disease mechanism: loss of function.

Submissions (2):

GeneDx
Classification: Likely pathogenic. Last evaluated: 2023-09-05. Review status: criteria provided, single submitter. Criteria: GeneDx Variant Classification Process June 2021. Collection method: clinical testing. Allele origin: germline. Affected: yes.
Comment: Frameshift variant predicted to result in protein truncation or nonsense mediated decay in a gene for which loss-of-function is a known mechanism of disease; Not observed at significant frequency in large population cohorts (gnomAD); Has not been previously published as pathogenic or benign to our knowledge

Myriad Genetics, Inc.
Classification: Pathogenic for Familial adenomatous polyposis 1. Last evaluated: 2023-05-05. Review status: criteria provided, single submitter. Criteria: Myriad Autosomal Dominant, Autosomal Recessive and X-Linked Classification Criteria (2023). Collection method: clinical testing. Allele origin: unknown.
Comment: This variant is considered pathogenic. This variant creates a frameshift predicted to result in premature protein truncation.

NM_000038.6(APC):c.2736del (p.Leu912fs)

Gene: APC (APC regulator of Wnt signaling pathway; plus strand). Cytogenetic location: 5q22.2.
Variant type: Deletion.
Coding change: c.2736del on transcript NM_000038.6 (MANE Select); coding-DNA position 2736, one base deleted (A; older notation c.2736delA).
Protein change: p.Leu912fs; shifts the reading frame from leucine 912.
Molecular consequence: frameshift variant. On other transcripts: non-coding transcript variant (2).
Genome position (GRCh38, 1-based): chr5:112,838,330, A deleted. VCF-style (leftmost placement, unchanged base first): chr5-112838329-TA-T. GRCh37 (hg19) VCF-style: chr5-112174026-TA-T.
Other names: c.2736del, p.Leu912fs (NM_001127510.3, NM_001354895.2, NM_001407450.1); c.2682del, p.Leu894fs (NM_001127511.3); c.2790del, p.Leu930fs (NM_001354896.2, NM_001407447.1, NM_001407448.1 and 1 more transcripts); c.2766del, p.Leu922fs (NM_001354897.2); c.2661del, p.Leu887fs (NM_001354898.2); c.2652del, p.Leu884fs (NM_001354899.2); c.2613del, p.Leu871fs (NM_001354900.2); c.2559del, p.Leu853fs (NM_001354901.2, NM_001407453.1); and 11 more; short protein forms L528fs, L629fs, L752fs, L783fs, L786fs, L811fs, L821fs, L829fs.
Identifiers: ClinVar variation 2579434 (VCV002579434.3), dbSNP rs2533445617, ClinGen allele CA2578379927.